The following is an entry in ClinVar:

NM_001378452.1(ITPR1):c.678G>T (p.Trp226Cys)

Gene: ITPR1 (inositol 1,4,5-trisphosphate receptor type 1; plus strand). Cytogenetic location: 3p26.1.
Variant type: single nucleotide variant.
Coding change: c.678G>T on transcript NM_001378452.1 (MANE Select); coding-DNA position 678, G replaced by T.
Protein change: p.Trp226Cys; replaces tryptophan 226 with cysteine.
Molecular consequence: missense variant.
Genome position (GRCh38, 1-based): chr3:4,645,440, G>T. VCF-style: chr3-4645440-G-T. GRCh37 (hg19) VCF-style: chr3-4687124-G-T.
Other names: c.678G>T, p.Trp226Cys (NM_001099952.4, NM_001168272.2, NM_002222.7); short protein forms W226C.
Identifiers: ClinVar variation 1511162 (VCV001511162.6), dbSNP rs1329469853, ClinGen allele CA351636275.

ClinVar aggregate classification (germline): Uncertain significance (1 of 4 stars; one submission).

Allele frequency attached by ClinVar (database versions not stated): gnomAD 0.00001; TOPMed 0.00001.
gnomAD v4.1: 2 of 1,613,288 alleles (0.00012%); highest among the groups gnomAD compares: African/African-American, 0.0027%; no homozygotes.

Submission:

Labcorp Genetics (formerly Invitae), Labcorp
Classification: Uncertain significance. Last evaluated: 2022-09-07. Review status: criteria provided, single submitter. Criteria: Invitae Variant Classification Sherloc (09022015). Collection method: clinical testing. Allele origin: germline.
Comment: Algorithms developed to predict the effect of missense changes on protein structure and function are either unavailable or do not agree on the potential impact of this missense change (SIFT: "Deleterious"; PolyPhen-2: "Possibly Damaging"; Align-GVGD: "Class C0"). ClinVar contains an entry for this variant (Variation ID: 1511162). This variant has not been reported in the literature in individuals affected with ITPR1-related conditions. This variant is not present in population databases (gnomAD no frequency). This sequence change replaces tryptophan, which is neutral and slightly polar, with cysteine, which is neutral and slightly polar, at codon 226 of the ITPR1 protein (p.Trp226Cys). In summary, the available evidence is currently insufficient to determine the role of this variant in disease. Therefore, it has been classified as a Variant of Uncertain Significance.